The following is an entry in ClinVar:

NM_001009944.3(PKD1):c.6915+9G>A

Gene: PKD1 (polycystin 1, transient receptor potential channel interacting; minus strand). Cytogenetic location: 16p13.3.
Variant type: single nucleotide variant.
Coding change: c.6915+9G>A on transcript NM_001009944.3 (MANE Select); 9 bases into the intron after coding-DNA position 6915, G replaced by A.
Molecular consequence: intron variant.
Genome position (GRCh38, 1-based): chr16:2,108,243, C>T on the plus strand (G>A on the coding strand, the complement: PKD1 is on the minus strand). VCF-style: chr16-2108243-C-T. GRCh37 (hg19) VCF-style: chr16-2158244-C-T.
Other names: c.6915+9G>A (NM_000296.4).
Identifiers: ClinVar variation 3042203 (VCV003042203.2), dbSNP rs369836549, ClinGen allele CA7831405.

ClinVar aggregate classification (germline): Likely benign (0 of 4 stars; one submission).

Conditions:
PKD1-related disorder. Also called: PKD1-related condition.

Allele frequency attached by ClinVar (database versions not stated): gnomAD exomes 0.00001; gnomAD 0.00003; ESP Exome Variant Server 0.00008; TOPMed 0.00009; ExAC 0.00010.
gnomAD v4.1: 25 of 1,592,836 alleles (0.0016%); highest among the groups gnomAD compares: Admixed American, 0.019%; no homozygotes.

Submission:

PreventionGenetics, part of Exact Sciences
Classification: Likely benign for PKD1-related condition. Last evaluated: 2019-03-08. Review status: no assertion criteria provided. Collection method: clinical testing. Allele origin: germline.
Comment: This variant is classified as likely benign based on ACMG/AMP sequence variant interpretation guidelines (Richards et al. 2015 PMID: 25741868, with internal and published modifications).